The following is an entry in ClinVar:

ClinVar aggregate classification (germline): Pathogenic (1 of 4 stars; one submission).

Conditions:
Fabry disease. Also called: ALPHA-GALACTOSIDASE A DEFICIENCY; ANDERSON-FABRY DISEASE; CERAMIDE TRIHEXOSIDASE DEFICIENCY; GLA DEFICIENCY; HEREDITARY DYSTOPIC LIPIDOSIS; Angiokeratoma corporis diffusum. Identifiers: Orphanet 324, MedGen C0002986, MONDO:0010526, OMIM 301500, HP:0001071. Disease mechanism: Fabry disease is due to inactivating mutations in the X-linked GLA gene resulting in deficiency of the enzyme Alpha Galactosidase-A., loss of function.

Submission:

Genomenon, Inc
Classification: Pathogenic for Fabry disease. Last evaluated: 2026-09-08. Review status: criteria provided, single submitter. Criteria: Genomenon Sequence Variant Interpretation Standards - Updated. Collection method: curation. Allele origin: germline. Affected: yes.
Comment: GLA p.Val351SerfsTer23 (c.1051_1052del) is a frameshift variant that is predicted to introduce a premature termination codon and result in a truncated or absent protein product. This variant has been observed in at least one proband with clinical features consistent with Fabry disease (PMID:26297554). Functional or patient cell studies have been reported (PMID:26297554). It is absent or not present at a significant frequency in gnomAD. In conclusion, we classify GLA p.Val351SerfsTer23 (c.1051_1052del) as a pathogenic variant.

Literature cited by the submitters: PubMed 26297554.

NM_000169.3(GLA):c.1051_1052del (p.Val351fs)

Genes: GLA (galactosidase alpha; minus strand), RPL36A-HNRNPH2 (RPL36A-HNRNPH2 readthrough; plus strand). Cytogenetic location: Xq22.1.
Variant type: Deletion.
Coding change: c.1051_1052del on transcript NM_000169.3 (MANE Select); coding-DNA positions 1051 to 1052, 2 bases deleted (GT; older notation c.1051_1052delGT).
Protein change: p.Val351fs; shifts the reading frame from valine 351.
Molecular consequence: frameshift variant. On other transcripts: non-coding transcript variant (3), intron variant (2).
Genome position (GRCh38, 1-based): chrX:101,398,047-101,398,048, AC deleted on the plus strand (GT on the coding strand, the reverse complement: GLA is on the minus strand); deleting any 2 consecutive bases within chrX:101,398,047-101,398,049 gives the same sequence; the c. name uses the placement nearest the transcript's 3' end. VCF-style (leftmost placement, unchanged base first): chrX-101398046-TAC-T. GRCh37 (hg19) VCF-style: chrX-100653034-TAC-T.
Other names: c.1174_1175del, p.Val392fs (NM_001406747.1); c.300+2591_300+2592del (NM_001199973.2); c.177+6226_177+6227del (NM_001199974.2); short protein forms V351fs, V392fs.
Identifiers: ClinVar variation 4087046 (VCV004087046.2), dbSNP rs869312220.
Genomic context (GRCh38, chrX:101,398,046, plus strand): 5'-GGAAGCAACTGCGATGGTATAAGAGCGAGGTCCACCAATCTCCTGCCGGTTTATCATAGC[TAC>T]AGCCCAGGCTAAGCCTGAGAGAGGTCGTTCCCACACTTCAAAGTTGTCTCCCTGAAAAAC-3'